The following is an entry in ClinVar:

NM_001384900.1(SEMA3D):c.2104G>C (p.Val702Leu)

Genes: SEMA3D (semaphorin 3D; minus strand), LOC126860094 (BRD4-independent group 4 enhancer GRCh37_chr7:84628763-84629962; plus strand). Cytogenetic location: 7q21.11.
Variant type: single nucleotide variant.
Coding change: c.2104G>C on transcript NM_001384900.1 (MANE Select); coding-DNA position 2104, G replaced by C.
Protein change: p.Val702Leu; replaces valine 702 with leucine.
Molecular consequence: missense variant.
Genome position (GRCh38, 1-based): chr7:84,999,670, C>G on the plus strand (G>C on the coding strand, the complement: SEMA3D is on the minus strand). VCF-style: chr7-84999670-C-G. GRCh37 (hg19) VCF-style: chr7-84628986-C-G.
Other names: c.2104G>C, p.Val702Leu (NM_001384901.1, NM_001384902.1, NM_001384903.1 and 1 more transcripts); short protein forms V702L.
Identifiers: ClinVar variation 3794044 (VCV003794044.2).
Genomic context (GRCh38, chr7:84,999,670, plus strand): 5'-TGCTAAGGATTTGGATGTAGTCTTTGTATCTCAACCGTGACTCAGCCAATAGATCCTTGA[C>G]CTTCCCCTCCTCATGCTCTGCCCTCTGGGTATTTTCCATCTGTTCATTCTCAATGACATT-3'
Protein context (NP_001371829.1, residues 692-712): TQRAEHEEGK[Val702Leu]KDLLAESRLR

ClinVar aggregate classification (germline): Uncertain significance. Review status: criteria provided, multiple submitters, no conflicts (2 of 4 stars). 2 submissions from 2 submitters: Uncertain significance (2). Last evaluated 2026-08-03.

Conditions:
SEMA3D-related disorder. Also called: SEMA3D-related condition.

gnomAD v4.1: 23 of 1,613,914 alleles (0.0014%); highest among the groups gnomAD compares: Middle Eastern, 0.016%; no homozygotes.

Submissions (2):

PreventionGenetics, part of Exact Sciences
Classification: Uncertain significance for SEMA3D-related condition. Last evaluated: 2026-08-03. Review status: criteria provided, single submitter. Criteria: ACMG Guidelines, 2015. Collection method: clinical testing. Allele origin: germline.
Comment: The SEMA3D c.2104G>C variant is predicted to result in the amino acid substitution p.Val702Leu. To our knowledge, this variant has not been reported in the literature. This variant is reported in 0.00088% of alleles in individuals of European (Non-Finnish) descent in gnomAD. At this time, the clinical significance of this variant is uncertain due to the absence of conclusive functional and genetic evidence.

Ambry Genetics
Classification: Uncertain significance. Last evaluated: 2025-01-27. Review status: criteria provided, single submitter. Criteria: Ambry Variant Classification Scheme 2023. Collection method: clinical testing. Allele origin: germline.